The following is an entry in ClinVar:

ClinVar aggregate classification (germline): Uncertain significance (1 of 4 stars; one submission).

Conditions:
Cardiovascular phenotype. Identifiers: MedGen CN230736.

gnomAD v4.1: 3 of 1,613,880 alleles (0.00019%); highest among the groups gnomAD compares: Non-Finnish European, 0.00025%; no homozygotes.

Submission:

Ambry Genetics
Classification: Uncertain significance for Cardiovascular phenotype. Last evaluated: 2025-09-17. Review status: criteria provided, single submitter. Criteria: Ambry Variant Classification Scheme 2023. Collection method: clinical testing. Allele origin: germline.
Comment: The p.C771G variant (also known as c.2311T>G), located in coding exon 17 of the RASA1 gene, results from a T to G substitution at nucleotide position 2311. The cysteine at codon 771 is replaced by glycine, an amino acid with highly dissimilar properties. This amino acid position is conserved. In addition, this alteration is predicted to be tolerated by in silico analysis. Based on the available evidence, the clinical significance of this variant remains unclear.

NM_002890.3(RASA1):c.2311T>G (p.Cys771Gly)

Genes: CCNH (cyclin H; minus strand), RASA1 (RAS p21 protein activator 1; plus strand). Cytogenetic location: 5q14.3.
Variant type: single nucleotide variant.
Coding change: c.2311T>G on transcript NM_002890.3 (MANE Select); coding-DNA position 2311, T replaced by G.
Protein change: p.Cys771Gly; replaces cysteine 771 with glycine.
Molecular consequence: missense variant. On other transcripts: intron variant (1).
Genome position (GRCh38, 1-based): chr5:87,377,007, T>G. VCF-style: chr5-87377007-T-G. GRCh37 (hg19) VCF-style: chr5-86672824-T-G.
Other names: c.1780T>G, p.Cys594Gly (NM_022650.3); c.933+18037A>C (NM_001364075.2); short protein forms C594G, C771G.
Identifiers: ClinVar variation 4614805 (VCV004614805.1).
Genomic context (GRCh38, chr5:87,377,007, plus strand): 5'-CTACTGGCCAGCATCCTACTGAGGATTTTTCTTCACGAAAAGCTTGAATCGTTGTTGTTA[T>G]GCACACTAAATGACAGAGAAATAAGCATGGAAGGTATGGTATGGCCATGTTAGTGTGATA-3'
Protein context (NP_002881.1, residues 761-781): LHEKLESLLL[Cys771Gly]TLNDREISME